The following is an entry in ClinVar:

ClinVar aggregate classification (germline): Pathogenic (1 of 4 stars; one submission).

Conditions:
Mitochondrial complex II deficiency, nuclear type 1. Also called: SUCCINATE CoQ REDUCTASE DEFICIENCY. Identifiers: Orphanet 3208, MedGen C5700310, MONDO:0100294, OMIM 252011.
Pheochromocytoma/paraganglioma syndrome 5. Also called: Paragangliomas 5; SDHA-Related Hereditary Paraganglioma-Pheochromocytoma Syndrome. Identifiers: Orphanet 29072, MedGen C3279992, MONDO:0013602, OMIM 614165.

Submission:

Labcorp Genetics (formerly Invitae), Labcorp
Classification: Pathogenic for Pheochromocytoma/paraganglioma syndrome 5; Mitochondrial complex II deficiency, nuclear type 1. Last evaluated: 2023-04-22. Review status: criteria provided, single submitter. Criteria: Invitae Variant Classification Sherloc (09022015). Collection method: clinical testing. Allele origin: germline.
Comment: This variant is not present in population databases (gnomAD no frequency). This variant has not been reported in the literature in individuals affected with SDHA-related conditions. For these reasons, this variant has been classified as Pathogenic. This sequence change creates a premature translational stop signal (p.Tyr330*) in the SDHA gene. It is expected to result in an absent or disrupted protein product. Loss-of-function variants in SDHA are known to be pathogenic (PMID: 22974104, 24781757).

Literature cited by the submitters: PubMed 22974104; PubMed 24781757.

NM_004168.4(SDHA):c.989dup (p.Tyr330Ter)

Gene: SDHA (succinate dehydrogenase complex flavoprotein subunit A; plus strand). Cytogenetic location: 5p15.33.
Variant type: Duplication.
Coding change: c.989dup on transcript NM_004168.4 (MANE Select); coding-DNA position 989, one base duplicated (A; older notation c.989dupA).
Protein change: p.Tyr330Ter; replaces tyrosine 330 with a stop codon.
Molecular consequence: nonsense.
Genome position (GRCh38, 1-based): chr5:233,570, A duplicated. VCF-style (leftmost placement, unchanged base first): chr5-233569-T-TA. GRCh37 (hg19) VCF-style: chr5-233684-T-TA.
Other names: c.845dup, p.Tyr282Ter (NM_001294332.2); c.989dup, p.Tyr330Ter (NM_001330758.2); short protein forms Y282*, Y330*.
Identifiers: ClinVar variation 2929000 (VCV002929000.3), dbSNP rs2477349594, ClinGen allele CA2740091602.